The following is an entry in ClinVar:

NM_000836.4(GRIN2D):c.3796G>T (p.Ala1266Ser)

Gene: GRIN2D (glutamate ionotropic receptor NMDA type subunit 2D; plus strand). Cytogenetic location: 19q13.33.
Variant type: single nucleotide variant.
Coding change: c.3796G>T on transcript NM_000836.4 (MANE Select); coding-DNA position 3796, G replaced by T.
Protein change: p.Ala1266Ser; replaces alanine 1266 with serine.
Molecular consequence: missense variant.
Genome position (GRCh38, 1-based): chr19:48,443,722, G>T. VCF-style: chr19-48443722-G-T. GRCh37 (hg19) VCF-style: chr19-48946979-G-T.
Other names: short protein forms A1266S.
Identifiers: ClinVar variation 2847949 (VCV002847949.3), dbSNP rs2513694132, ClinGen allele CA406678280.
Genomic context (GRCh38, chr19:48,443,722, plus strand): 5'-GCCGCGCCCCACCACCACAGGCACCGGCGCGCCGCTGGGGGCTGGGACCTCCCGCCGCCC[G>T]CGCCCACCTCGCGCTCGCTCGAGGACCTCAGCTCGTGCCCTCGCGCCGCCCCTGCGCGCA-3'
Protein context (NP_000827.2, residues 1256-1276): AAGGWDLPPP[Ala1266Ser]PTSRSLEDLS

ClinVar aggregate classification (germline): Uncertain significance (1 of 4 stars; one submission).

gnomAD v4.1: 5 of 1,327,206 alleles (0.00038%); highest among the groups gnomAD compares: Non-Finnish European, 0.00048%; no homozygotes.

Submission:

Labcorp Genetics (formerly Invitae), Labcorp
Classification: Uncertain significance. Last evaluated: 2023-03-20. Review status: criteria provided, single submitter. Criteria: Invitae Variant Classification Sherloc (09022015). Collection method: clinical testing. Allele origin: germline.
Comment: This sequence change replaces alanine, which is neutral and non-polar, with serine, which is neutral and polar, at codon 1266 of the GRIN2D protein (p.Ala1266Ser). This variant is not present in population databases (gnomAD no frequency). This variant has not been reported in the literature in individuals affected with GRIN2D-related conditions. Advanced modeling of protein sequence and biophysical properties (such as structural, functional, and spatial information, amino acid conservation, physicochemical variation, residue mobility, and thermodynamic stability) performed at Invitae indicates that this missense variant is not expected to disrupt GRIN2D protein function. In summary, the available evidence is currently insufficient to determine the role of this variant in disease. Therefore, it has been classified as a Variant of Uncertain Significance.